The following is an entry in ClinVar:

NM_001114753.3(ENG):c.360+2T>C

Gene: ENG (endoglin; minus strand). Cytogenetic location: 9q34.11.
Variant type: single nucleotide variant.
Coding change: c.360+2T>C on transcript NM_001114753.3 (MANE Select); the canonical splice donor site of the intron after coding-DNA position 360, T replaced by C.
Molecular consequence: splice donor variant.
Genome position (GRCh38, 1-based): chr9:127,829,685, A>G on the plus strand (T>C on the coding strand, the complement: ENG is on the minus strand). VCF-style: chr9-127829685-A-G. GRCh37 (hg19) VCF-style: chr9-130591964-A-G.
Other names: c.360+2T>C (NM_000118.4, NM_001406715.1); c.-187+2T>C (NM_001278138.2).
Identifiers: ClinVar variation 2017170 (VCV002017170.4), dbSNP rs2539082925, ClinGen allele CA374985611.

ClinVar aggregate classification (germline): Pathogenic (1 of 4 stars; one submission).

Conditions:
Hereditary hemorrhagic telangiectasia (HHT). Also called: ORW DISEASE; Osler Weber Rendu syndrome; OSLER-RENDU-WEBER DISEASE; Osler hemorrhagic telangiectasia syndrome. Identifiers: Orphanet 774, MedGen C0039445, MONDO:0019180. Disease mechanism: loss of function.

Submission:

Labcorp Genetics (formerly Invitae), Labcorp
Classification: Pathogenic for Hereditary hemorrhagic telangiectasia. Last evaluated: 2022-07-14. Review status: criteria provided, single submitter. Criteria: Invitae Variant Classification Sherloc (09022015). Collection method: clinical testing. Allele origin: germline.
Comment: Disruption of this splice site has been observed in individuals with hereditary hemorrhagic telangiectasia (PMID: 9366572, 11793473, 12920067, 22991266). It has also been observed to segregate with disease in related individuals. Algorithms developed to predict the effect of sequence changes on RNA splicing suggest that this variant may disrupt the consensus splice site. For these reasons, this variant has been classified as Pathogenic. This variant is not present in population databases (gnomAD no frequency). This sequence change affects a donor splice site in intron 3 of the ENG gene. It is expected to disrupt RNA splicing. Variants that disrupt the donor or acceptor splice site typically lead to a loss of protein function (PMID: 16199547), and loss-of-function variants in ENG are known to be pathogenic (PMID: 15879500).

Literature cited by the submitters: PubMed 9366572; PubMed 11793473; PubMed 12920067; PubMed 22991266; PubMed 16199547; PubMed 15879500.